The following is an entry in ClinVar:

ClinVar aggregate classification (germline): Uncertain significance. Review status: criteria provided, multiple submitters, no conflicts (2 of 4 stars). 3 submissions from 3 submitters: Uncertain significance (3). Last evaluated 2025-12-01.

Conditions:
SMAD2-related disorder. Also called: SMAD2-related condition; SMAD2-related disorders.

Allele frequency attached by ClinVar (database versions not stated): gnomAD 0.00001; gnomAD exomes 0.00001; TOPMed 0.00001.
gnomAD v4.1: 12 of 1,598,194 alleles (0.00075%); highest among the groups gnomAD compares: Non-Finnish European, 0.001%; no homozygotes.

Submissions (3):

PreventionGenetics, part of Exact Sciences
Classification: Uncertain significance for SMAD2-related condition. Last evaluated: 2025-12-01. Review status: criteria provided, single submitter. Criteria: ACMG Guidelines, 2015. Collection method: clinical testing. Allele origin: germline.
Comment: The SMAD2 c.997+5G>A variant is predicted to interfere with splicing. To our knowledge, this variant has not been reported in the literature. This variant is reported in 0.0031% of alleles in individuals of European (Non-Finnish) descent in gnomAD. At this time, the clinical significance of this variant is uncertain due to the absence of conclusive functional and genetic evidence.

Labcorp Genetics (formerly Invitae), Labcorp
Classification: Uncertain significance. Last evaluated: 2024-06-22. Review status: criteria provided, single submitter. Criteria: Invitae Variant Classification Sherloc (09022015). Collection method: clinical testing. Allele origin: germline.
Comment: This sequence change falls in intron 8 of the SMAD2 gene. It does not directly change the encoded amino acid sequence of the SMAD2 protein. It affects a nucleotide within the consensus splice site. This variant is present in population databases (no rsID available, gnomAD 0.003%). This variant has not been reported in the literature in individuals affected with SMAD2-related conditions. ClinVar contains an entry for this variant (Variation ID: 1202501). Variants that disrupt the consensus splice site are a relatively common cause of aberrant splicing (PMID: 17576681, 9536098). Algorithms developed to predict the effect of sequence changes on RNA splicing suggest that this variant may disrupt the consensus splice site. In summary, the available evidence is currently insufficient to determine the role of this variant in disease. Therefore, it has been classified as a Variant of Uncertain Significance.

GeneDx
Classification: Uncertain significance. Last evaluated: 2020-01-09. Review status: criteria provided, single submitter. Criteria: GeneDx Variant Classification Process June 2021. Collection method: clinical testing. Allele origin: germline. Affected: yes.
Comment: Has not been previously published as pathogenic or benign to our knowledge; Not observed at a significant frequency in large population cohorts (Lek et al., 2016); In silico analysis, which includes splice predictors and evolutionary conservation, supports a deleterious effect

Literature cited by the submitters: PubMed 17576681 (cited by Labcorp Genetics (formerly Invitae), Labcorp); PubMed 9536098 (cited by Labcorp Genetics (formerly Invitae), Labcorp).

NM_005901.6(SMAD2):c.997+5G>A

Gene: SMAD2 (SMAD family member 2; minus strand). Cytogenetic location: 18q21.1.
Variant type: single nucleotide variant.
Coding change: c.997+5G>A on transcript NM_005901.6 (MANE Select); 5 bases into the intron after coding-DNA position 997, G replaced by A.
Molecular consequence: intron variant.
Genome position (GRCh38, 1-based): chr18:47,848,470, C>T on the plus strand (G>A on the coding strand, the complement: SMAD2 is on the minus strand). VCF-style: chr18-47848470-C-T. GRCh37 (hg19) VCF-style: chr18-45374841-C-T.
Other names: c.997+5G>A (NM_005901.5, NM_001003652.4); c.907+5G>A (NM_001135937.3).
Identifiers: ClinVar variation 1202501 (VCV001202501.7), dbSNP rs1222630136, ClinGen allele CA629927562.
Genomic context (GRCh38, chr18:47,848,470, plus strand): 5'-CCATGCAATGCCTACATTATGAGTATACAGCATTTATTTTTCACAACAAGGAAAATAAAA[C>T]ATACCTATATGCCTTCTTGTCATTTCTACCGTGGCATTTCGGTTAACATTGGAGAGTAAA-3'